The following is an entry in ClinVar:

NM_003001.5(SDHC):c.405G>T (p.Leu135Phe)

Gene: SDHC (succinate dehydrogenase complex subunit C; plus strand). Cytogenetic location: 1q23.3.
Variant type: single nucleotide variant.
Coding change: c.405G>T on transcript NM_003001.5 (MANE Select); coding-DNA position 405, G replaced by T.
Protein change: p.Leu135Phe; replaces leucine 135 with phenylalanine.
Molecular consequence: missense variant. On other transcripts: non-coding transcript variant (1), intron variant (3).
Genome position (GRCh38, 1-based): chr1:161,356,840, G>T. VCF-style: chr1-161356840-G-T. GRCh37 (hg19) VCF-style: chr1-161326630-G-T.
Other names: c.303G>T, p.Leu101Phe (NM_001035512.3); c.246G>T, p.Leu82Phe (NM_001035513.3); c.525G>T, p.Leu175Phe (NM_001407115.1); c.348G>T, p.Leu116Phe (NM_001407116.1); c.342G>T, p.Leu114Phe (NM_001407117.1); c.297G>T, p.Leu99Phe (NM_001407118.1); c.294G>T, p.Leu98Phe (NM_001407119.1, NM_001407120.1); c.242-5489G>T (NM_001035511.3); and 2 more; short protein forms L135F, L101F, L82F, L114F, L116F, L99F, L175F, L98F.
Identifiers: ClinVar variation 933738 (VCV000933738.8), dbSNP rs757663926, ClinGen allele CA343456779.
Genomic context (GRCh38, chr1:161,356,840, plus strand): 5'-AGCTAAGTTTGCACTTGTCTTCCCTCTCATGTATCATACCTGGAATGGGATCCGACACTT[G>T]GTAAGTTAATTCGGGATTTGCACATTTTCTCTGTGAAGGGAGTGGGGAGACTGGGAGGAT-3'
Protein context (NP_002992.1, residues 125-145): MYHTWNGIRH[Leu135Phe]MWDLGKGLKI

ClinVar aggregate classification (germline): Uncertain significance (1 of 4 stars; one submission).

Conditions:
Gastrointestinal stromal tumor. Also called: Gastrointestinal stromal tumor, somatic; Gastrointestinal stroma tumor. Identifiers: Orphanet 44890, MedGen C0238198, MeSH D046152, MONDO:0011719, OMIM 606764, HP:0100723.
Pheochromocytoma/paraganglioma syndrome 3. Also called: GLOMUS TUMORS, FAMILIAL, 3; SDHC-Related Hereditary Paraganglioma-Pheochromocytoma Syndrome; Paragangliomas 3; SDHC-Related Hereditary Paraganglioma-Pheochromocytoma Syndrome (Paragangliomas 3). Identifiers: Orphanet 29072, MedGen C1854336, MONDO:0011544, OMIM 605373.

Submission:

Labcorp Genetics (formerly Invitae), Labcorp
Classification: Uncertain significance for Pheochromocytoma/paraganglioma syndrome 3; Gastrointestinal stromal tumor. Last evaluated: 2019-08-29. Review status: criteria provided, single submitter. Criteria: Invitae Variant Classification Sherloc (09022015). Collection method: clinical testing. Allele origin: germline.
Comment: Nucleotide substitutions within the consensus splice site are a relatively common cause of aberrant splicing (PMID: 17576681, 9536098). Algorithms developed to predict the effect of sequence changes on RNA splicing suggest that this variant may disrupt the consensus splice site, but this prediction has not been confirmed by published transcriptional studies. Algorithms developed to predict the effect of missense changes on protein structure and function are either unavailable or do not agree on the potential impact of this missense change (SIFT: "Deleterious"; PolyPhen-2: "Probably Damaging"; Align-GVGD: "Class C0"). This variant has not been reported in the literature in individuals with SDHC-related conditions. This variant is not present in population databases (ExAC no frequency). This sequence change replaces leucine with phenylalanine at codon 135 of the SDHC protein (p.Leu135Phe). The leucine residue is highly conserved and there is a small physicochemical difference between leucine and phenylalanine. This variant also falls at the last nucleotide of exon 5 of the SDHC coding sequence, which is part of the consensus splice site for this exon. In summary, the available evidence is currently insufficient to determine the role of this variant in disease. Therefore, it has been classified as a Variant of Uncertain Significance.

Literature cited by the submitters: PubMed 17576681; PubMed 9536098.